The following is an entry in ClinVar:

ClinVar aggregate classification (germline): Uncertain significance (1 of 4 stars; one submission).

Conditions:
Usher syndrome type 3B. Also called: USHER SYNDROME, TYPE IIIB. Identifiers: MedGen C3281066, MONDO:0013788, OMIM 614504.

Submission:

Labcorp Genetics (formerly Invitae), Labcorp
Classification: Uncertain significance for Usher syndrome type 3B. Last evaluated: 2025-05-27. Review status: criteria provided, single submitter. Criteria: Invitae Variant Classification Sherloc (09022015). Collection method: clinical testing. Allele origin: germline.
Comment: This sequence change replaces glutamine, which is neutral and polar, with lysine, which is basic and polar, at codon 294 of the HARS protein (p.Gln294Lys). This variant is not present in population databases (gnomAD no frequency). This variant has not been reported in the literature in individuals affected with HARS-related conditions. ClinVar contains an entry for this variant (Variation ID: 1984004). Invitae Evidence Modeling of protein sequence and biophysical properties (such as structural, functional, and spatial information, amino acid conservation, physicochemical variation, residue mobility, and thermodynamic stability) indicates that this missense variant is not expected to disrupt HARS protein function with a negative predictive value of 80%. In summary, the available evidence is currently insufficient to determine the role of this variant in disease. Therefore, it has been classified as a Variant of Uncertain Significance.

NM_002109.6(HARS1):c.880C>A (p.Gln294Lys)

Gene: HARS1 (histidyl-tRNA synthetase 1; minus strand). Cytogenetic location: 5q31.3.
Variant type: single nucleotide variant.
Coding change: c.880C>A on transcript NM_002109.6 (MANE Select); coding-DNA position 880, C replaced by A.
Protein change: p.Gln294Lys; replaces glutamine 294 with lysine.
Molecular consequence: missense variant.
Genome position (GRCh38, 1-based): chr5:140,677,060, G>T on the plus strand (C>A on the coding strand, the complement: HARS1 is on the minus strand). VCF-style: chr5-140677060-G-T. GRCh37 (hg19) VCF-style: chr5-140056645-G-T.
Other names: c.760C>A, p.Gln254Lys (NM_001258040.3); c.820C>A, p.Gln274Lys (NM_001258041.3); c.700C>A, p.Gln234Lys (NM_001258042.3); c.658C>A, p.Gln220Lys (NM_001289092.2); c.538C>A, p.Gln180Lys (NM_001289093.2); c.793C>A, p.Gln265Lys (NM_001289094.2); short protein forms Q254K, Q265K, Q234K, Q180K, Q220K, Q274K, Q294K.
Identifiers: ClinVar variation 1984004 (VCV001984004.4), dbSNP rs1379178692, ClinGen allele CA361252966.